The following is an entry in ClinVar:

ClinVar aggregate classification (germline): Likely benign (1 of 4 stars; one submission).

gnomAD v4.1: 13 of 1,613,934 alleles (0.00081%); highest among the groups gnomAD compares: Non-Finnish European, 0.00068%; no homozygotes.

Submission:

CeGaT Center for Human Genetics Tuebingen
Classification: Likely benign. Last evaluated: 2026-03-01. Review status: criteria provided, single submitter. Criteria: CeGaT Center For Human Genetics Tuebingen Variant Classification Criteria Version 2. Collection method: clinical testing. Allele origin: germline. Affected: yes. Observed: 1 variant allele.
Comment: PIK3R5: BP4, BP7

NM_001142633.3(PIK3R5):c.765C>A (p.Thr255=)

Gene: PIK3R5 (phosphoinositide-3-kinase regulatory subunit 5; minus strand). Cytogenetic location: 17p13.1.
Variant type: single nucleotide variant.
Coding change: c.765C>A on transcript NM_001142633.3 (MANE Select); coding-DNA position 765, C replaced by A.
Protein change: p.Thr255=; no amino-acid change (threonine 255 retained).
Molecular consequence: synonymous variant. On other transcripts: 5 prime UTR variant (6), intron variant (2).
Genome position (GRCh38, 1-based): chr17:8,890,019, G>T on the plus strand (C>A on the coding strand, the complement: PIK3R5 is on the minus strand). VCF-style: chr17-8890019-G-T. GRCh37 (hg19) VCF-style: chr17-8793336-G-T.
Other names: c.-456C>A (NM_001251851.2); c.-394C>A (NM_001251852.2, NM_001251855.2, NM_001388397.1 and 2 more transcripts); c.765C>A, p.Thr255= (NM_001388396.1, NM_014308.4); c.-348+719C>A (NM_001388400.1, NM_001251853.2).
Identifiers: ClinVar variation 4821623 (VCV004821623.4).
Genomic context (GRCh38, chr17:8,890,019, plus strand): 5'-CCCAAGAGCCTCACCTAACACCCCAGGGAAGCCAGCTTTTTCTCCCACCGCCTGCAGCTT[G>T]GTCCTGAGCCACCGCCGGGCCTCTGCAGCATCCCCGATGCCAGATGCCAGCTCCTGTGCC-3'
Protein context (NP_001136105.1, residues 245-265): DAAEARRWLR[Thr255=]KLQAVGEKAG